The following is an entry in ClinVar:

NM_004174.4(SLC9A3):c.2150T>G (p.Leu717Arg)

Genes: SLC9A3 (solute carrier family 9 member A3), SLC9A3-AS1 (SLC9A3 antisense RNA 1; plus strand). Cytogenetic location: 5p15.33.
Variant type: single nucleotide variant.
Coding change: c.2150T>G on transcript NM_004174.4 (MANE Select); coding-DNA position 2150, T replaced by G.
Protein change: p.Leu717Arg; replaces leucine 717 with arginine.
Molecular consequence: missense variant.
Genome position (GRCh38, 1-based): chr5:475,662, A>C on the plus strand (T>G on the coding strand, the complement: SLC9A3 is on the minus strand). VCF-style: chr5-475662-A-C. GRCh37 (hg19) VCF-style: chr5-475777-A-C.
Other names: c.2123T>G, p.Leu708Arg (NM_001284351.3); short protein forms L708R, L717R.
Identifiers: ClinVar variation 1716282 (VCV001716282.5), dbSNP rs1738678822, ClinGen allele CA359024213.

ClinVar aggregate classification (germline): Uncertain significance (1 of 4 stars; one submission).

Submission:

Labcorp Genetics (formerly Invitae), Labcorp
Classification: Uncertain significance. Last evaluated: 2025-07-30. Review status: criteria provided, single submitter. Criteria: Invitae Variant Classification Sherloc (09022015). Collection method: clinical testing. Allele origin: germline.
Comment: This sequence change replaces leucine, which is neutral and non-polar, with arginine, which is basic and polar, at codon 717 of the SLC9A3 protein (p.Leu717Arg). This variant is not present in population databases (gnomAD no frequency). This variant has not been reported in the literature in individuals affected with SLC9A3-related conditions. ClinVar contains an entry for this variant (Variation ID: 1716282). An algorithm developed to predict the effect of missense changes on protein structure and function (PolyPhen-2) suggests that this variant is likely to be tolerated. In summary, the available evidence is currently insufficient to determine the role of this variant in disease. Therefore, it has been classified as a Variant of Uncertain Significance.